The following is an entry in ClinVar:

ClinVar aggregate classification (germline): Benign/Likely benign. Review status: criteria provided, multiple submitters, no conflicts (2 of 4 stars). 5 submissions from 5 submitters: Benign (1); Likely benign (4). Last evaluated 2025-12-03.

Conditions:
Hereditary nonpolyposis colorectal neoplasms. Identifiers: MedGen C0009405, MeSH D003123.
Hereditary cancer-predisposing syndrome. Also called: Hereditary neoplastic syndrome; Hereditary Cancer Syndrome; Neoplastic Syndromes, Hereditary; Tumor predisposition. Identifiers: Orphanet 140162, MedGen C0027672, MeSH D009386, MONDO:0015356.
Lynch syndrome 4 (LYNCH4). Also called: Hereditary non-polyposis colorectal cancer, type 4; Colorectal cancer, hereditary nonpolyposis, type 4. Identifiers: Orphanet 144, MedGen C1838333, MONDO:0013699, OMIM 614337. Disease mechanism: loss of function.

Allele frequency attached by ClinVar (database versions not stated): gnomAD exomes 0.00001.
gnomAD v4.1: 4 of 1,600,946 alleles (0.00025%); highest among the groups gnomAD compares: Admixed American, 0.0017%; no homozygotes.

Submissions (5):

Labcorp Genetics (formerly Invitae), Labcorp
Classification: Likely benign for Hereditary nonpolyposis colorectal neoplasms. Last evaluated: 2025-12-03. Review status: criteria provided, single submitter. Criteria: Invitae Variant Classification Sherloc (09022015). Collection method: clinical testing. Allele origin: germline.

Myriad Genetics, Inc.
Classification: Benign for Lynch syndrome 4. Last evaluated: 2025-02-03. Review status: criteria provided, single submitter. Criteria: Myriad Autosomal Dominant, Autosomal Recessive and X-Linked Classification Criteria (2023). Collection method: clinical testing. Allele origin: unknown.
Comment: This variant is considered benign. This variant is a silent/synonymous amino acid change and it is not expected to impact splicing.

Color Diagnostics, LLC DBA Color Health
Classification: Likely benign for Hereditary cancer-predisposing syndrome. Last evaluated: 2022-11-02. Review status: criteria provided, single submitter. Criteria: ACMG Guidelines, 2015. Collection method: clinical testing. Allele origin: germline.

Ambry Genetics
Classification: Likely benign for Hereditary cancer-predisposing syndrome. Last evaluated: 2019-05-02. Review status: criteria provided, single submitter. Criteria: Ambry Variant Classification Scheme 2023. Collection method: clinical testing. Allele origin: germline.

GeneDx
Classification: Likely benign. Last evaluated: 2017-05-31. Review status: criteria provided, single submitter. Criteria: GeneDx Variant Classification (06012015). Collection method: clinical testing. Allele origin: germline. Affected: yes.
Comment: This variant is considered likely benign or benign based on one or more of the following criteria: it is a conservative change, it occurs at a poorly conserved position in the protein, it is predicted to be benign by multiple in silico algorithms, and/or has population frequency not consistent with disease.

NM_000535.7(PMS2):c.2100G>A (p.Gln700=)

Gene: PMS2 (PMS1 homolog 2, mismatch repair system component; minus strand). Cytogenetic location: 7p22.1.
Variant type: single nucleotide variant.
Coding change: c.2100G>A on transcript NM_000535.7 (MANE Select); coding-DNA position 2100, G replaced by A.
Protein change: p.Gln700=; no amino-acid change (glutamine 700 retained).
Molecular consequence: synonymous variant. On other transcripts: non-coding transcript variant (1).
Genome position (GRCh38, 1-based): chr7:5,982,898, C>T on the plus strand (G>A on the coding strand, the complement: PMS2 is on the minus strand). VCF-style: chr7-5982898-C-T. GRCh37 (hg19) VCF-style: chr7-6022529-C-T.
Other names: c.1695G>A, p.Gln565= (NM_001322003.2, NM_001322004.2, NM_001322005.2 and 1 more transcripts); c.1944G>A, p.Gln648= (NM_001322006.2); c.1782G>A, p.Gln594= (NM_001322007.2, NM_001322008.2); c.1539G>A, p.Gln513= (NM_001322010.2); c.1167G>A, p.Gln389= (NM_001322011.2, NM_001322012.2); c.1527G>A, p.Gln509= (NM_001322013.2); c.2100G>A, p.Gln700= (NM_001322014.2); c.1791G>A, p.Gln597= (NM_001322015.2).
Identifiers: ClinVar variation 509816 (VCV000509816.15), dbSNP rs1554295833, ClinGen allele CA453643282.